The following is an entry in ClinVar:

ClinVar aggregate classification (germline): Uncertain significance. Review status: criteria provided, multiple submitters, no conflicts (2 of 4 stars). 2 submissions from 2 submitters: Uncertain significance (2). Last evaluated 2025-06-25.

Conditions:
Familial melanoma. Also called: Hereditary melanoma; Hereditary cutaneous melanoma. Identifiers: Orphanet 618, MedGen C1512419, MONDO:0018961.
Hereditary cancer-predisposing syndrome. Also called: Neoplastic Syndromes, Hereditary; Hereditary Cancer Syndrome; Tumor predisposition; Hereditary neoplastic syndrome. Identifiers: Orphanet 140162, MedGen C0027672, MeSH D009386, MONDO:0015356.

Allele frequency attached by ClinVar (database versions not stated): gnomAD exomes below 0.00001 and 0.00001; ExAC 0.00001; TOPMed 0.00001.
gnomAD v4.1: 3 of 1,611,644 alleles (0.00019%); highest among the groups gnomAD compares: Non-Finnish European, 0.00017%; no homozygotes.

Submissions (2):

Labcorp Genetics (formerly Invitae), Labcorp
Classification: Uncertain significance for Familial melanoma. Last evaluated: 2025-06-25. Review status: criteria provided, single submitter. Criteria: Invitae Variant Classification Sherloc (09022015). Collection method: clinical testing. Allele origin: germline.
Comment: This sequence change replaces alanine, which is neutral and non-polar, with valine, which is neutral and non-polar, at codon 134 of the CDKN2A (p16INK4a) protein (p.Ala134Val). The frequency data for this variant in the population databases is considered unreliable, as metrics indicate poor data quality at this position in the gnomAD database. This variant has not been reported in the literature in individuals affected with CDKN2A (p16INK4a)-related conditions. ClinVar contains an entry for this variant (Variation ID: 650117). An algorithm developed to predict the effect of missense changes on protein structure and function outputs the following: PolyPhen-2: "Benign". The valine amino acid residue is found in multiple mammalian species, which suggests that this missense change does not adversely affect protein function. In summary, the available evidence is currently insufficient to determine the role of this variant in disease. Therefore, it has been classified as a Variant of Uncertain Significance.

Ambry Genetics
Classification: Uncertain significance for Hereditary cancer-predisposing syndrome. Last evaluated: 2024-09-09. Review status: criteria provided, single submitter. Criteria: Ambry Variant Classification Scheme 2023. Collection method: clinical testing. Allele origin: germline.
Comment: The p.A134V variant (also known as c.401C>T), located in coding exon 2 of the CDKN2A gene, results from a C to T substitution at nucleotide position 401. The alanine at codon 134 is replaced by valine, an amino acid with similar properties. This amino acid position is not well conserved in available vertebrate species. In addition, this alteration is predicted to be tolerated by in silico analysis. Since supporting evidence is limited at this time, the clinical significance of this alteration remains unclear.

Literature cited by the submitters: PubMed 18573309 (cited by Ambry Genetics); PubMed 8060323 (cited by Ambry Genetics); PubMed 9823374 (cited by Ambry Genetics).

NM_000077.5(CDKN2A):c.401C>T (p.Ala134Val)

Gene: CDKN2A (cyclin dependent kinase inhibitor 2A; minus strand). Cytogenetic location: 9p21.3.
Variant type: single nucleotide variant.
Coding change: c.401C>T on transcript NM_000077.5; coding-DNA position 401, C replaced by T.
Protein change: p.Ala134Val; replaces alanine 134 with valine.
Molecular consequence: missense variant (on NM_000077.6). On other transcripts: 3 prime UTR variant (2).
Genome position (GRCh38, 1-based): chr9:21,970,958, G>A on the plus strand (C>T on the coding strand, the complement: CDKN2A is on the minus strand). VCF-style: chr9-21970958-G-A. GRCh37 (hg19) VCF-style: chr9-21970957-G-A.
Other names: c.401C>T, p.Ala134Val (NM_000077.6, NM_001195132.2); c.248C>T, p.Ala83Val (NM_001363763.2); c.*45C>T (NM_058195.4); c.*324C>T (NM_058197.5); short protein forms A134V, A83V.
Identifiers: ClinVar variation 650117 (VCV000650117.16), dbSNP rs757497674, ClinGen allele CA5012164.